The following is an entry in ClinVar:

NM_000455.5(STK11):c.96C>T (p.Thr32=)

Gene: STK11 (serine/threonine kinase 11; plus strand). Cytogenetic location: 19p13.3.
Variant type: single nucleotide variant.
Coding change: c.96C>T on transcript NM_000455.5 (MANE Select); coding-DNA position 96, C replaced by T.
Protein change: p.Thr32=; no amino-acid change (threonine 32 retained).
Molecular consequence: synonymous variant.
Genome position (GRCh38, 1-based): chr19:1,207,009, C>T. VCF-style: chr19-1207009-C-T. GRCh37 (hg19) VCF-style: chr19-1207008-C-T.
Identifiers: ClinVar variation 458076 (VCV000458076.16), dbSNP rs79175212, ClinGen allele CA504706118.

ClinVar aggregate classification (germline): Benign/Likely benign. Review status: criteria provided, multiple submitters, no conflicts (2 of 4 stars). 5 submissions from 5 submitters: Benign (1); Likely benign (4). Last evaluated 2026-09-15.

Conditions:
STK11-related disorder. Also called: STK11-related condition.
Hereditary cancer-predisposing syndrome. Also called: Tumor predisposition; Hereditary neoplastic syndrome; Neoplastic Syndromes, Hereditary; Hereditary Cancer Syndrome. Identifiers: Orphanet 140162, MedGen C0027672, MeSH D009386, MONDO:0015356.
Peutz-Jeghers syndrome (PJS). Also called: POLYPOSIS, HAMARTOMATOUS INTESTINAL; POLYPS-AND-SPOTS SYNDROME; Peutz-Jeghers polyposis; Periorificial lentiginosis syndrome. Identifiers: Orphanet 2869, MedGen C0031269, MeSH D010580, MONDO:0008280, OMIM 175200.

gnomAD v4.1: 3 of 1,613,540 alleles (0.00019%); highest among the groups gnomAD compares: African/African-American, 0.0027%; no homozygotes.

Submissions (5):

PreventionGenetics, part of Exact Sciences
Classification: Likely benign for STK11-related condition. Last evaluated: 2026-09-15. Review status: criteria provided, single submitter. Criteria: ACMG Guidelines, 2015. Collection method: clinical testing. Allele origin: germline.
Comment: This variant is classified as likely benign based on ACMG/AMP sequence variant interpretation guidelines (Richards et al. 2015 PMID: 25741868, with internal and published modifications).

Myriad Genetics, Inc.
Classification: Benign for Peutz-Jeghers syndrome. Last evaluated: 2025-03-24. Review status: criteria provided, single submitter. Criteria: Myriad Autosomal Dominant, Autosomal Recessive and X-Linked Classification Criteria (2023). Collection method: clinical testing. Allele origin: unknown.
Comment: This variant is considered benign. This variant is a silent/synonymous amino acid change and it is not expected to impact splicing.

Labcorp Genetics (formerly Invitae), Labcorp
Classification: Likely benign for Peutz-Jeghers syndrome. Last evaluated: 2025-02-18. Review status: criteria provided, single submitter. Criteria: Invitae Variant Classification Sherloc (09022015). Collection method: clinical testing. Allele origin: germline.

Color Diagnostics, LLC DBA Color Health
Classification: Likely benign for Hereditary cancer-predisposing syndrome. Last evaluated: 2021-01-21. Review status: criteria provided, single submitter. Criteria: ACMG Guidelines, 2015. Collection method: clinical testing. Allele origin: germline.

Ambry Genetics
Classification: Likely benign for Hereditary cancer-predisposing syndrome. Last evaluated: 2015-06-26. Review status: criteria provided, single submitter. Criteria: Ambry Variant Classification Scheme 2023. Collection method: clinical testing. Allele origin: germline.

Literature cited by the submitters: PubMed 10429655 (cited by Ambry Genetics); PubMed 17950019 (cited by Ambry Genetics).